The following is an entry in ClinVar:

ClinVar aggregate classification (germline): Uncertain significance (1 of 4 stars; one submission).

Allele frequency attached by ClinVar (database versions not stated): gnomAD exomes below 0.00001.
gnomAD v4.1: 3 of 1,614,018 alleles (0.00019%); highest among the groups gnomAD compares: East Asian, 0.0067%; no homozygotes.

Submission:

Labcorp Genetics (formerly Invitae), Labcorp
Classification: Uncertain significance. Last evaluated: 2023-04-15. Review status: criteria provided, single submitter. Criteria: Invitae Variant Classification Sherloc (09022015). Collection method: clinical testing. Allele origin: germline.
Comment: In summary, the available evidence is currently insufficient to determine the role of this variant in disease. Therefore, it has been classified as a Variant of Uncertain Significance. Algorithms developed to predict the effect of missense changes on protein structure and function output the following: SIFT: "Not Available"; PolyPhen-2: "Benign"; Align-GVGD: "Not Available". The arginine amino acid residue is found in multiple mammalian species, which suggests that this missense change does not adversely affect protein function. ClinVar contains an entry for this variant (Variation ID: 1409432). This variant has not been reported in the literature in individuals affected with RP1-related conditions. This variant is present in population databases (no rsID available, gnomAD 0.006%). This sequence change replaces glycine, which is neutral and non-polar, with arginine, which is basic and polar, at codon 591 of the RP1 protein (p.Gly591Arg).

NM_006269.2(RP1):c.1771G>C (p.Gly591Arg)

Gene: RP1 (RP1 axonemal microtubule associated; plus strand). Cytogenetic location: 8q12.1.
Variant type: single nucleotide variant.
Coding change: c.1771G>C on transcript NM_006269.2 (MANE Select); coding-DNA position 1771, G replaced by C.
Protein change: p.Gly591Arg; replaces glycine 591 with arginine.
Molecular consequence: missense variant. On other transcripts: intron variant (1).
Genome position (GRCh38, 1-based): chr8:54,625,653, G>C. VCF-style: chr8-54625653-G-C. GRCh37 (hg19) VCF-style: chr8-55538213-G-C.
Other names: c.787+3365G>C (NM_001375654.1); short protein forms G591R.
Identifiers: ClinVar variation 1409432 (VCV001409432.5), dbSNP rs1441664225, ClinGen allele CA370991556.